The following is an entry in ClinVar:

ClinVar aggregate classification (germline): Uncertain significance. Review status: criteria provided, multiple submitters, no conflicts (2 of 4 stars). 2 submissions from 2 submitters: Uncertain significance (2). Last evaluated 2024-11-13.

Conditions:
RPS27-related disorder. Also called: RPS27-related condition.

Allele frequency attached by ClinVar (database versions not stated): ExAC 0.00002.

Submissions (2):

Labcorp Genetics (formerly Invitae), Labcorp
Classification: Uncertain significance. Last evaluated: 2024-11-13. Review status: criteria provided, single submitter. Criteria: Invitae Variant Classification Sherloc (09022015). Collection method: clinical testing. Allele origin: germline.
Comment: This sequence change replaces glutamic acid, which is acidic and polar, with aspartic acid, which is acidic and polar, at codon 13 of the RPS27 protein (p.Glu13Asp). This variant is present in population databases (rs772067907, gnomAD 0.02%). This variant has not been reported in the literature in individuals affected with RPS27-related conditions. ClinVar contains an entry for this variant (Variation ID: 2634491). An algorithm developed to predict the effect of missense changes on protein structure and function (PolyPhen-2) suggests that this variant is likely to be tolerated. In summary, the available evidence is currently insufficient to determine the role of this variant in disease. Therefore, it has been classified as a Variant of Uncertain Significance.

PreventionGenetics, part of Exact Sciences
Classification: Uncertain significance for RPS27-related condition. Last evaluated: 2023-01-31. Review status: criteria provided, single submitter. Criteria: ACMG Guidelines, 2015. Collection method: clinical testing. Allele origin: germline.
Comment: The RPS27 c.39A>C variant is predicted to result in the amino acid substitution p.Glu13Asp. To our knowledge, this variant has not been reported in the literature. This variant is reported in 0.022% of alleles in individuals of African descent in gnomAD. At this time, the clinical significance of this variant is uncertain due to the absence of conclusive functional and genetic evidence.

NM_001030.6(RPS27):c.39A>C (p.Glu13Asp)

Genes: RPS27 (ribosomal protein S27; plus strand), LOC126805872 (BRD4-independent group 4 enhancer GRCh37_chr1:153962963-153964162; plus strand). Cytogenetic location: 1q21.3.
Variant type: single nucleotide variant.
Coding change: c.39A>C on transcript NM_001030.6 (MANE Select); coding-DNA position 39, A replaced by C.
Protein change: p.Glu13Asp; replaces glutamic acid 13 with aspartic acid.
Molecular consequence: missense variant. On other transcripts: 5 prime UTR variant (2).
Genome position (GRCh38, 1-based): chr1:153,991,147, A>C. VCF-style: chr1-153991147-A-C. GRCh37 (hg19) VCF-style: chr1-153963623-A-C.
Other names: c.-58A>C (NM_001349946.2, NM_001349947.2); short protein forms E13D.
Identifiers: ClinVar variation 2634491 (VCV002634491.3), dbSNP rs772067907, ClinGen allele CA1123841.